The following is an entry in ClinVar:

NM_001011658.4(TRAPPC2):c.93+5G>A

Genes: OFD1 (OFD1 centriole and centriolar satellite protein; plus strand), TRAPPC2 (trafficking protein particle complex subunit 2; minus strand). Cytogenetic location: Xp22.2.
Variant type: single nucleotide variant.
Coding change: c.93+5G>A on transcript NM_001011658.4 (MANE Select); 5 bases into the intron after coding-DNA position 93, G replaced by A.
Molecular consequence: intron variant.
Genome position (GRCh38, 1-based): chrX:13,719,866, C>T on the plus strand (G>A on the coding strand, the complement: TRAPPC2 is on the minus strand). VCF-style: chrX-13719866-C-T. GRCh37 (hg19) VCF-style: chrX-13737985-C-T.
Other names: IVS3DS, G-A, +5; c.93+5G>A (NM_014563.6); c.195+5G>A (NM_001128835.3).
Identifiers: ClinVar variation 11512 (VCV000011512.49), dbSNP rs587776752, ClinGen allele CA255911.

ClinVar aggregate classification (germline): Pathogenic. Review status: criteria provided, multiple submitters, no conflicts (2 of 4 stars). 5 submissions from 5 submitters: Pathogenic (4). 1 of the submissions does not count toward it. Last evaluated 2025-03-13.

Conditions:
Spondyloepiphyseal dysplasia tarda, X-linked. Also called: SED TARDA, X-LINKED. Identifiers: MedGen C3541456, MONDO:0010737, OMIM 313400.
Inborn genetic diseases. Identifiers: MedGen C0950123, MeSH D030342.
Spondyloepiphyseal dysplasia tarda (SEDT). Also called: SPONDYLOEPIPHYSEAL DYSPLASIA, LATE. Identifiers: Orphanet 93284, MedGen CN033239, MONDO:0019667.

Allele frequency attached by ClinVar (database versions not stated): TOPMed below 0.00001.

Submissions (5):

3billion
Classification: Pathogenic for Spondyloepiphyseal dysplasia tarda, X-linked. Last evaluated: 2025-03-13. Review status: criteria provided, single submitter. Criteria: ACMG Guidelines, 2015. Collection method: clinical testing. Allele origin: germline. Affected: yes.

Labcorp Genetics (formerly Invitae), Labcorp
Classification: Pathogenic. Last evaluated: 2024-09-17. Review status: criteria provided, single submitter. Criteria: Invitae Variant Classification Sherloc (09022015). Collection method: clinical testing. Allele origin: germline.
Comment: This sequence change falls in intron 3 of the TRAPPC2 gene. It does not directly change the encoded amino acid sequence of the TRAPPC2 protein. It affects a nucleotide within the consensus splice site. This variant is not present in population databases (gnomAD no frequency). This variant has been observed in individuals with spondyloepiphyseal dysplasia tarda (PMID: 11326333, 15221797, 22563562, 26252088). It has also been observed to segregate with disease in related individuals. ClinVar contains an entry for this variant (Variation ID: 11512). Variants that disrupt the consensus splice site are a relatively common cause of aberrant splicing (PMID: 17576681, 9536098). Algorithms developed to predict the effect of sequence changes on RNA splicing suggest that this variant may disrupt the consensus splice site. For these reasons, this variant has been classified as Pathogenic.

Ambry Genetics
Classification: Pathogenic for Inborn genetic diseases. Last evaluated: 2021-04-09. Review status: criteria provided, single submitter. Criteria: Ambry Variant Classification Scheme 2023. Collection method: clinical testing. Allele origin: germline.
Comment: The c.93+5G>A intronic alteration results from a G to A substitution 5 nucleotides after exon 3 (coding exon 1) of the TRAPPC2 gene. Based on data from the Genome Aggregation Database (gnomAD), the TRAPPC2 c.93+5G>A alteration was not observed, with coverage at this position. This alteration was reported by Tiller, et al. (2001) in an affected family with 21 affected males spread over five generations. The mutation cosegregated with the affected phenotype and in known carriers, with two exceptions. An unrelated affected individual was also found to have this alteration (Tiller, 2001). The c.93+5G nucleotide is conserved through available reptile species. Tiller, et al. (2001) reported the functional effect of this alteration showed skipping of exon 3. In silico splice site analysis predicts that this alteration will weaken the native splice donor site. Based on the available evidence, this alteration is classified as pathogenic.

CeGaT Center for Human Genetics Tuebingen
Classification: Pathogenic. Last evaluated: 2020-02-01. Review status: criteria provided, single submitter. Criteria: CeGaT Center For Human Genetics Tuebingen Variant Classification Criteria Version 2. Collection method: clinical testing. Allele origin: germline. Affected: yes. Observed: 2 variant alleles.

OMIM
Classification: Pathogenic for SPONDYLOEPIPHYSEAL DYSPLASIA TARDA. Last evaluated: 2001-06-01. Review status: no assertion criteria provided. Collection method: literature only. Allele origin: germline. Not counted in ClinVar's aggregate classification.

Literature cited by the submitters: PubMed 11326333 (cited by 4 submitters); PubMed 15221797 (cited by 3billion and Labcorp Genetics (formerly Invitae), Labcorp); PubMed 22563562 (cited by Labcorp Genetics (formerly Invitae), Labcorp); PubMed 26252088 (cited by Labcorp Genetics (formerly Invitae), Labcorp); PubMed 17576681 (cited by Labcorp Genetics (formerly Invitae), Labcorp); PubMed 9536098 (cited by Labcorp Genetics (formerly Invitae), Labcorp).